The following is an entry in ClinVar:

ClinVar aggregate classification (germline): Likely benign. Review status: criteria provided, multiple submitters, no conflicts (2 of 4 stars). 3 submissions from 3 submitters: Likely benign (3). Last evaluated 2025-08-13.

Allele frequency attached by ClinVar (database versions not stated): TOPMed 0.00001; gnomAD 0.00003; gnomAD exomes 0.00006 and 0.00009; ESP Exome Variant Server 0.00008; ExAC 0.00009.
gnomAD v4.1: 135 of 1,613,870 alleles (0.0084%); highest among the groups gnomAD compares: Non-Finnish European, 0.011%; no homozygotes.

Submissions (3):

Labcorp Genetics (formerly Invitae), Labcorp
Classification: Likely benign. Last evaluated: 2025-08-13. Review status: criteria provided, single submitter. Criteria: Invitae Variant Classification Sherloc (09022015). Collection method: clinical testing. Allele origin: germline.

Blueprint Genetics
Classification: Likely benign. Last evaluated: 2024-05-03. Review status: criteria provided, single submitter. Criteria: ACMG Guidelines, 2015. Collection method: clinical testing. Allele origin: germline.

GeneDx
Classification: Likely benign. Last evaluated: 2016-03-28. Review status: criteria provided, single submitter. Criteria: GeneDx Variant Classification (06012015). Collection method: clinical testing. Allele origin: germline. Affected: yes.
Comment: This variant is considered likely benign or benign based on one or more of the following criteria: it is a conservative change, it occurs at a poorly conserved position in the protein, it is predicted to be benign by multiple in silico algorithms, and/or has population frequency not consistent with disease.

NM_012062.5(DNM1L):c.2082C>T (p.Ser694=)

Gene: DNM1L (dynamin 1L; plus strand). Cytogenetic location: 12p11.21.
Variant type: single nucleotide variant.
Coding change: c.2082C>T on transcript NM_012062.5 (MANE Select); coding-DNA position 2082, C replaced by T.
Protein change: p.Ser694=; no amino-acid change (serine 694 retained).
Molecular consequence: synonymous variant.
Genome position (GRCh38, 1-based): chr12:32,742,676, C>T. VCF-style: chr12-32742676-C-T. GRCh37 (hg19) VCF-style: chr12-32895610-C-T.
Other names: c.2049C>T, p.Ser683= (NM_001278463.2); c.2121C>T, p.Ser707= (NM_001278464.2); c.2088C>T, p.Ser696= (NM_001278465.2); c.1473C>T, p.Ser491= (NM_001278466.2); c.2010C>T, p.Ser670= (NM_001330380.2); c.1971C>T, p.Ser657= (NM_005690.5); c.2004C>T, p.Ser668= (NM_012063.4).
Identifiers: ClinVar variation 380443 (VCV000380443.10), dbSNP rs370363569, ClinGen allele CA6507763.
Genomic context (GRCh38, chr12:32,742,676, plus strand): 5'-GGTTAATCATGTGAAAGACACTCTTCAGAGTGAGCTAGTAGGCCAGCTGTATAAATCATC[C>T]TTATTGGATGATCTTCTGACAGAATCTGAGGACATGGCACAGCGCAGGAAAGAAGCAGCT-3'
Protein context (NP_036192.2, residues 684-704): SELVGQLYKS[Ser694=]LLDDLLTESE